The following is an entry in ClinVar:

ClinVar aggregate classification (germline): Uncertain significance. Review status: criteria provided, multiple submitters, no conflicts (2 of 4 stars). 2 submissions from 2 submitters: Uncertain significance (2). Last evaluated 2026-01-11.

Conditions:
Aortic valve disease 2 (AOVD2). Identifiers: MedGen C3542024, MONDO:0013902, OMIM 614823.

Submissions (2):

Labcorp Genetics (formerly Invitae), Labcorp
Classification: Uncertain significance for Aortic valve disease 2. Last evaluated: 2026-01-11. Review status: criteria provided, single submitter. Criteria: Invitae Variant Classification Sherloc (09022015). Collection method: clinical testing. Allele origin: germline.
Comment: This sequence change replaces proline, which is neutral and non-polar, with leucine, which is neutral and non-polar, at codon 323 of the SMAD6 protein (p.Pro323Leu). The frequency data for this variant in the population databases is considered unreliable, as metrics indicate poor data quality at this position in the gnomAD database. This missense change has been observed in individual(s) with craniosynostosis (PMID: 27606499). ClinVar contains an entry for this variant (Variation ID: 3336117). Invitae Evidence Modeling of protein sequence and biophysical properties (such as structural, functional, and spatial information, amino acid conservation, physicochemical variation, residue mobility, and thermodynamic stability) indicates that this missense variant is not expected to disrupt SMAD6 protein function with a negative predictive value of 80%. In summary, the available evidence is currently insufficient to determine the role of this variant in disease. Therefore, it has been classified as a Variant of Uncertain Significance.

Women's Health and Genetics/Laboratory Corporation of America, LabCorp
Classification: Uncertain significance. Last evaluated: 2024-05-07. Review status: criteria provided, single submitter. Criteria: LabCorp Variant Classification Summary - May 2015. Collection method: clinical testing. Allele origin: germline.
Comment: Variant summary: SMAD6 c.968C>T (p.Pro323Leu) results in a non-conservative amino acid change in the encoded protein sequence. Three of five in-silico tools predict a damaging effect of the variant on protein function. The variant allele was found at a frequency of 1e-05 in 200958 control chromosomes. The available data on variant occurrences in the general population are insufficient to allow any conclusion about variant significance. c.968C>T has been reported in the literature in one individual with midline craniosynostosis and the carrier father was not affected (Timberlake_2016). These report(s) do not provide unequivocal conclusions about association of the variant with Aortic Valve Disease. To our knowledge, no experimental evidence demonstrating an impact on protein function has been reported. The following publication have been ascertained in the context of this evaluation (PMID: 27606499). No submitters have cited clinical-significance assessments for this variant to ClinVar. Based on the evidence outlined above, the variant was classified as uncertain significance.

Literature cited by the submitters: PubMed 27606499 (cited by Labcorp Genetics (formerly Invitae), Labcorp and Women's Health and Genetics/Laboratory Corporation of America, LabCorp).

NM_005585.5(SMAD6):c.968C>T (p.Pro323Leu)

Gene: SMAD6 (SMAD family member 6; plus strand). Cytogenetic location: 15q22.31.
Variant type: single nucleotide variant.
Coding change: c.968C>T on transcript NM_005585.5 (MANE Select); coding-DNA position 968, C replaced by T.
Protein change: p.Pro323Leu; replaces proline 323 with leucine.
Molecular consequence: missense variant. On other transcripts: non-coding transcript variant (1).
Genome position (GRCh38, 1-based): chr15:66,781,012, C>T. VCF-style: chr15-66781012-C-T. GRCh37 (hg19) VCF-style: chr15-67073350-C-T.
Other names: short protein forms P323L.
Identifiers: ClinVar variation 3336117 (VCV003336117.3).
Genomic context (GRCh38, chr15:66,781,012, plus strand): 5'-CTCCCCACCCAGAATAACGCGGCGGTCCCTGTGCTTGTCCCGCAGACGCCAGCATGTCTC[C>T]GGACGCCACCAAGCCGAGCCACTGGTGCAGCGTGGCGTACTGGGAGCACCGGACGCGCGT-3'
Protein context (NP_005576.3, residues 313-333): PGEFSDASMS[Pro323Leu]DATKPSHWCS